The following is an entry in ClinVar:

ClinVar aggregate classification (germline): Uncertain significance (1 of 4 stars; one submission).

Submission:

CeGaT Center for Human Genetics Tuebingen
Classification: Uncertain significance. Last evaluated: 2025-07-01. Review status: criteria provided, single submitter. Criteria: CeGaT Center For Human Genetics Tuebingen Variant Classification Criteria Version 2. Collection method: clinical testing. Allele origin: germline. Affected: yes. Observed: 1 variant allele.
Comment: QRICH2: PM2, BP4

NM_001388453.1(QRICH2):c.1343C>T (p.Pro448Leu)

Gene: QRICH2 (glutamine rich 2; minus strand). Cytogenetic location: 17q25.1.
Variant type: single nucleotide variant.
Coding change: c.1343C>T on transcript NM_001388453.1 (MANE Select); coding-DNA position 1343, C replaced by T.
Protein change: p.Pro448Leu; replaces proline 448 with leucine.
Molecular consequence: missense variant.
Genome position (GRCh38, 1-based): chr17:76,293,384, G>A on the plus strand (C>T on the coding strand, the complement: QRICH2 is on the minus strand). VCF-style: chr17-76293384-G-A. GRCh37 (hg19) VCF-style: chr17-74289465-G-A.
Other names: c.1343C>T, p.Pro448Leu (NM_032134.3); short protein forms P448L.
Identifiers: ClinVar variation 4085418 (VCV004085418.8).